The following is an entry in ClinVar:

NM_000257.4(MYH7):c.4953+1G>T

Genes: MHRT (myosin heavy chain associated RNA transcript; plus strand), MYH7 (myosin heavy chain 7; minus strand), LOC126861897 (BRD4-independent group 4 enhancer GRCh37_chr14:23884455-23885654; plus strand). Cytogenetic location: 14q11.2.
Variant type: single nucleotide variant.
Coding change: c.4953+1G>T on transcript NM_000257.4 (MANE Select); the canonical splice donor site of the intron after coding-DNA position 4953, G replaced by T.
Molecular consequence: splice donor variant. On other transcripts: non-coding transcript variant (1).
Genome position (GRCh38, 1-based): chr14:23,416,003, C>A on the plus strand (G>T on the coding strand, the complement: MYH7 is on the minus strand). VCF-style: chr14-23416003-C-A. GRCh37 (hg19) VCF-style: chr14-23885212-C-A.
Other names: c.4953+1G>T (NM_001407004.1).
Identifiers: ClinVar variation 3070071 (VCV003070071.1), dbSNP rs2502244180, ClinGen allele CA389037272.

ClinVar aggregate classification (germline): Uncertain significance (1 of 4 stars; one submission).

Conditions:
Cardiomyopathy (CMYO). Also called: Cardiomyopathies. Identifiers: Orphanet 167848, MedGen C0878544, MONDO:0004994, HP:0001638. Inheritance: Various modes of inheritance.

Submission:

All of Us Research Program, National Institutes of Health
Classification: Uncertain significance for Cardiomyopathy. Last evaluated: 2023-09-17. Review status: criteria provided, single submitter. Criteria: ACMG Guidelines, 2015. Collection method: clinical testing. Allele origin: germline. Inheritance: Autosomal dominant inheritance. Observed: 2 variant alleles, 2 heterozygotes.
Comment: This variant causes a G to T nucleotide substitution at the +1 position of intron 34 of the MYH7 gene. Splice site prediction tools predict that this variant may have a significant impact on RNA splicing. Although this prediction has not been confirmed in published RNA studies, this variant is expected to result in an absent or disrupted protein product. To our knowledge, functional studies have not been reported for this variant. This variant has not been reported in individuals affected with MYH7-related disorders in the literature. Clinical relevance of loss-of-function MYH7 truncation and splice variants in autosomal dominant cardiovascular disorders is not clearly established. This variant has not been identified in the general population by the Genome Aggregation Database (gnomAD). The available evidence is insufficient to determine the role of this variant in disease conclusively. Therefore, this variant is classified as a Variant of Uncertain Significance.

This study involves interpretation of variants in research participants for the purpose of population health screening. Participant phenotype was not available at the time of variant classification. Additional details can be found in publication PMID: 35346344, PMCID: PMC8962531